The following is an entry in ClinVar:

ClinVar aggregate classification (germline): Uncertain significance (1 of 4 stars; one submission).

Conditions:
MELAS syndrome (MELAS). Also called: Juvenile myopathy, encephalopathy, lactic acidosis, stroke. Identifiers: Orphanet 550, MedGen C0162671, MONDO:0010789, OMIM 540000.

Submission:

Wong Mito Lab, Molecular and Human Genetics, Baylor College of Medicine
Classification: Uncertain significance for MELAS syndrome. Last evaluated: 2019-07-12. Review status: criteria provided, single submitter. Criteria: Modified ACMG Guidelines (Unpublished). Collection method: clinical testing. Allele origin: germline.
Comment: The NC_012920.1:m.12291T>C variant in MT-TL2 gene is interpreted to be a Unknown Significance variant based on the modified ACMG guidelines (unpublished). This variant meets the following evidence codes reported in the guidelines: PM7, PP6, PP7, BS4

Literature cited by the submitters: PubMed 31965079.

NC_012920.1(MT-TL2):m.12291T>C

Gene: MT-TL2 (mitochondrially encoded tRNA leucine 2 (CUN); plus strand).
Variant type: single nucleotide variant.
Genome position: chrM-12291-T-C.
Identifiers: ClinVar variation 690188 (VCV000690188.1), dbSNP rs1603223653, ClinGen allele CA913170000.